The following is an entry in ClinVar:

NM_020320.5(RARS2):c.34C>T (p.Gln12Ter)

Gene: RARS2 (arginyl-tRNA synthetase 2, mitochondrial; minus strand). Cytogenetic location: 6q15.
Variant type: single nucleotide variant.
Coding change: c.34C>T on transcript NM_020320.5 (MANE Select); coding-DNA position 34, C replaced by T.
Protein change: p.Gln12Ter; replaces glutamine 12 with a stop codon.
Molecular consequence: nonsense. On other transcripts: 5 prime UTR variant (7), non-coding transcript variant (23).
Genome position (GRCh38, 1-based): chr6:87,589,924, G>A on the plus strand (C>T on the coding strand, the complement: RARS2 is on the minus strand). VCF-style: chr6-87589924-G-A. GRCh37 (hg19) VCF-style: chr6-88299642-G-A.
Other names: c.-657C>T (NM_001318785.2); c.34C>T, p.Gln12Ter (NM_001350505.2); c.-713C>T (NM_001350506.2, NM_001350510.2); c.-836C>T (NM_001350507.2); c.-875C>T (NM_001350508.2); c.-583C>T (NM_001350509.2); c.-832C>T (NM_001350511.2); c.34C>T (NM_020320.4); short protein forms Q12*.
Identifiers: ClinVar variation 2915420 (VCV002915420.6), dbSNP rs368985469, ClinGen allele CA364919445.
Genomic context (GRCh38, chr6:87,589,924, plus strand): 5'-AAGGCCTTTGGGGTCCCTAGCTCCTCAGGGACTCCTCTGCGCGCTCCGGGATCCATACCT[G>A]GCAAGCAATAGCGCGGCGAAAGCCGCACGCCATGTCCACCTCTACGGAAGTGCGCCGCAG-3'

ClinVar aggregate classification (germline): Pathogenic/Likely pathogenic. Review status: criteria provided, multiple submitters, no conflicts (2 of 4 stars). 3 submissions from 3 submitters: Pathogenic (2); Likely pathogenic (1). Last evaluated 2025-05-22.

Conditions:
Pontocerebellar hypoplasia type 6 (PCH6). Identifiers: Orphanet 166073, MedGen C1969084, MONDO:0012683, OMIM 611523.

gnomAD v4.1: 2 of 1,614,248 alleles (0.00012%); highest among the groups gnomAD compares: East Asian, 0.0022%; no homozygotes.

Submissions (3):

Dasa
Classification: Pathogenic. Last evaluated: 2025-05-22. Review status: criteria provided, single submitter. Criteria: DASA Assertion Criteria. Collection method: clinical testing. Allele origin: germline.
Comment: NM_020320.5(RARS2):c.34C>T (p.Gln12*) introduces a premature termination codon predicted to result in loss of normal protein function. Loss-of-function is an established mechanism of disease for this gene. This variant has been observed in affected individuals with related phenotype in a genotype context consistent with recessive disease (PMID: 30634555). This variant has been reported in individuals with related phenotype (PMID: 30634555). The variant is present at low frequency in population datasets. Based on the available data, this variant is classified as pathogenic.

Natera, Inc.
Classification: Likely pathogenic for Pontocerebellar hypoplasia, type 6. Last evaluated: 2025-04-08. Review status: criteria provided, single submitter. Criteria: Natera Variant Classification Schema (03/2026). Collection method: clinical testing. Allele origin: germline.
Comment: The c.34C>T variant in RARS2 is a nonsense variant predicted to introduce a stop codon at amino acid 12. This variant is expected to result in nonsense mediated decay, truncation, or a dysfunctional protein product. This variant is rare in the general population with a frequency below the threshold expected for the associated phenotype(s). Given the available evidence, this variant is classified as Likely Pathogenic.

Labcorp Genetics (formerly Invitae), Labcorp
Classification: Pathogenic. Last evaluated: 2023-12-13. Review status: criteria provided, single submitter. Criteria: Invitae Variant Classification Sherloc (09022015). Collection method: clinical testing. Allele origin: germline.
Comment: This sequence change creates a premature translational stop signal (p.Gln12*) in the RARS2 gene. It is expected to result in an absent or disrupted protein product. Loss-of-function variants in RARS2 are known to be pathogenic (PMID: 17847012, 22569581, 26083569). This variant is present in population databases (no rsID available, gnomAD 0.0009%). This premature translational stop signal has been observed in individual(s) with RARS2-related conditions (PMID: 30634555). For these reasons, this variant has been classified as Pathogenic.

Literature cited by the submitters: PubMed 30634555 (cited by Dasa and Labcorp Genetics (formerly Invitae), Labcorp); PubMed 17847012 (cited by Labcorp Genetics (formerly Invitae), Labcorp); PubMed 22569581 (cited by Labcorp Genetics (formerly Invitae), Labcorp); PubMed 26083569 (cited by Labcorp Genetics (formerly Invitae), Labcorp).